The following is an entry in ClinVar:

ClinVar aggregate classification (germline): Likely pathogenic (1 of 4 stars; one submission).

Conditions:
Mucopolysaccharidosis, MPS-II (MPS2). Also called: Hunter Syndrome; IDURONATE 2-SULFATASE DEFICIENCY; Mucopolysaccharidosis Type II; Mucopolysaccharidosis type 2; Attenuated MPS (subtype; formerly known as mild MPS II); Severe MPS II. Identifiers: Orphanet 580, Orphanet 79388, MedGen C0026705, MONDO:0010674, OMIM 309900.

Submission:

Laboratory of Diagnosis and Therapy of Lysosomal Disorders, University of Padova
Classification: Likely pathogenic for Mucopolysaccharidosis, MPS-II. Last evaluated: 2024-06-07. Review status: criteria provided, single submitter. Criteria: ACMG Guidelines, 2015. Collection method: literature only. Allele origin: germline. Affected: yes. Observed: 3 variant alleles.
Comment: Absent from controls (or at low frequency) in gnomAD database (PM2_Moderate), Missense variant in a gene with a low rate of benign missense variation (PP2_Supporting), Multiple lines of computational evidence support a deleterious effect (PP3_Supporting), Patient’s phenotype or family history highly specific for the disease (PP4_Strong)

Classification method: ACMG Guidelines [PMID:25741868] with modifications

Literature cited by the submitters: PubMed 9921913; PubMed 33676511.

NM_000202.8(IDS):c.305T>G (p.Leu102Arg)

Gene: IDS (iduronate 2-sulfatase; minus strand). Cytogenetic location: Xq28.
Variant type: single nucleotide variant.
Coding change: c.305T>G on transcript NM_000202.8 (MANE Select); coding-DNA position 305, T replaced by G.
Protein change: p.Leu102Arg; replaces leucine 102 with arginine.
Molecular consequence: missense variant. On other transcripts: non-coding transcript variant (1).
Genome position (GRCh38, 1-based): chrX:149,503,425, A>C on the plus strand (T>G on the coding strand, the complement: IDS is on the minus strand). VCF-style: chrX-149503425-A-C. GRCh37 (hg19) VCF-style: chrX-148584955-A-C.
Other names: c.35T>G, p.Leu12Arg (NM_001166550.4); c.305T>G, p.Leu102Arg (NM_006123.5); short protein forms L102R, L12R.
Identifiers: ClinVar variation 3255661 (VCV003255661.2).